The following is an entry in ClinVar:

ClinVar aggregate classification (germline): Likely pathogenic. Review status: criteria provided, multiple submitters, no conflicts (2 of 4 stars). 2 submissions from 2 submitters: Likely pathogenic (2). Last evaluated 2026-09-08.

Conditions:
Fabry disease. Also called: Fabry's disease; Angiokeratoma corporis diffusum; ALPHA-GALACTOSIDASE A DEFICIENCY; ANDERSON-FABRY DISEASE; CERAMIDE TRIHEXOSIDASE DEFICIENCY; GLA DEFICIENCY. Identifiers: Orphanet 324, MedGen C0002986, MONDO:0010526, OMIM 301500, HP:0001071. Disease mechanism: loss of function, Fabry disease is due to inactivating mutations in the X-linked GLA gene resulting in deficiency of the enzyme Alpha Galactosidase-A..

Submissions (2):

Genomenon, Inc
Classification: Likely pathogenic for Fabry disease. Last evaluated: 2026-09-08. Review status: criteria provided, single submitter. Criteria: Genomenon Sequence Variant Interpretation Standards - Updated. Collection method: curation. Allele origin: germline. Affected: yes.
Comment: GLA p.Asp299Gly (c.896A>G) is a missense variant that changes the amino acid at codon 299 from Aspartic acid to Glycine. This variant has been observed in at least one proband with clinical features consistent with Fabry disease (PMID:33915609;16148726;23818648;39609713). At least one functional study has demonstrated a substantial alteration in protein function relative to the wild-type (PMID:27657681). It is absent or not present at a significant frequency in gnomAD. In silico models predict that this variant is possibly or probably damaging. In conclusion, we classify GLA p.Asp299Gly (c.896A>G) as a likely pathogenic variant.

Eurofins Ntd Llc (ga)
Classification: Likely pathogenic. Last evaluated: 2018-03-28. Review status: criteria provided, single submitter. Criteria: EGL ClinVar v180209 classification definitions. Collection method: clinical testing. Allele origin: germline.

Literature cited by the submitters: PubMed 33915609 (cited by Genomenon, Inc); PubMed 16148726 (cited by Genomenon, Inc); PubMed 23818648 (cited by Genomenon, Inc); PubMed 39609713 (cited by Genomenon, Inc); PubMed 27657681 (cited by Genomenon, Inc).

NM_000169.3(GLA):c.896A>G (p.Asp299Gly)

Genes: GLA (galactosidase alpha; minus strand), RPL36A-HNRNPH2 (RPL36A-HNRNPH2 readthrough; plus strand). Cytogenetic location: Xq22.1.
Variant type: single nucleotide variant.
Coding change: c.896A>G on transcript NM_000169.3 (MANE Select); coding-DNA position 896, A replaced by G.
Protein change: p.Asp299Gly; replaces aspartic acid 299 with glycine.
Molecular consequence: missense variant. On other transcripts: non-coding transcript variant (3), intron variant (2).
Genome position (GRCh38, 1-based): chrX:101,398,473, T>C on the plus strand (A>G on the coding strand, the complement: GLA is on the minus strand). VCF-style: chrX-101398473-T-C. GRCh37 (hg19) VCF-style: chrX-100653461-T-C.
Other names: c.1019A>G, p.Asp340Gly (NM_001406747.1); c.896A>G, p.Asp299Gly (NM_001406748.1); c.300+3016T>C (NM_001199973.2); c.177+6651T>C (NM_001199974.2); short protein forms D299G, D340G.
Identifiers: ClinVar variation 596689 (VCV000596689.7), dbSNP rs1569302982, ClinGen allele CA413922296.